The following is an entry in ClinVar:

ClinVar aggregate classification (germline): Pathogenic. Review status: criteria provided, multiple submitters, no conflicts (2 of 4 stars). 2 submissions from 2 submitters: Pathogenic (2). Last evaluated 2024-06-07.

Conditions:
Mucopolysaccharidosis, MPS-II (MPS2). Also called: Hunter Syndrome; Mucopolysaccharidosis with skin involvement; Mucopolysaccharidosis type 2; IDURONATE 2-SULFATASE DEFICIENCY; Mucopolysaccharidosis Type II; IDS deficiency. Identifiers: Orphanet 580, Orphanet 79388, MedGen C0026705, MONDO:0010674, OMIM 309900.

Submissions (4):

Laboratory of Diagnosis and Therapy of Lysosomal Disorders, University of Padova
Classification: Pathogenic for Mucopolysaccharidosis, MPS-II. Last evaluated: 2024-06-07. Review status: criteria provided, single submitter. Criteria: ACMG Guidelines, 2015. Collection method: literature only. Allele origin: germline. Affected: yes. Observed: 4 variant alleles.
Comment: Null variant (PVS1_VeryStrong), Absent from controls (or at low frequency) in gnomAD database (PM2_Moderate), Patient’s phenotype or family history highly specific for the disease (PP4_Moderate)

Classification method: ACMG Guidelines [PMID:25741868] with modifications

IIFP, CONICET-UNLP
Classification: Pathogenic for Mucopolysaccharidosis, MPS-II. Last evaluated: 2010-05-27. Review status: criteria provided, single submitter. Criteria: ACMG Guidelines, 2007. Collection method: research. Allele origin: maternal. Inheritance: X-linked inheritance. Affected: yes. Observed: 4 variant alleles.

Dr. Peter K. Rogan Lab, Western University
No classification provided (evidence only). Condition: Thyroid cancer, nonmedullary, 1. Review status: no classification provided. Collection method: in vitro. Allele origin: not applicable. Functional consequence: retained intron. Not counted in ClinVar's aggregate classification.

Dr. Peter K. Rogan Lab, Western University
No classification provided (evidence only). Condition: Thyroid cancer, nonmedullary, 1. Review status: no classification provided. Collection method: in vitro. Allele origin: not applicable. Functional consequence: retained intron. Not counted in ClinVar's aggregate classification.

Literature cited by the submitters: PubMed 27896113 (cited by Laboratory of Diagnosis and Therapy of Lysosomal Disorders, University of Padova); DOI 10.1016/j.ymgmr.2014.08.006 (cited by IIFP, CONICET-UNLP).

NM_000202.8(IDS):c.820G>T (p.Glu274Ter)

Genes: IDS (iduronate 2-sulfatase; minus strand), LOC106050102 (IDS recombination region; plus strand). Cytogenetic location: Xq28.
Variant type: single nucleotide variant.
Coding change: c.820G>T on transcript NM_000202.8 (MANE Select); coding-DNA position 820, G replaced by T.
Protein change: p.Glu274Ter; replaces glutamic acid 274 with a stop codon.
Molecular consequence: nonsense. On other transcripts: non-coding transcript variant (1).
Genome position (GRCh38, 1-based): chrX:149,496,405, C>A on the plus strand (G>T on the coding strand, the complement: IDS is on the minus strand). VCF-style: chrX-149496405-C-A. GRCh37 (hg19) VCF-style: chrX-148577936-C-A.
Other names: NC_000023.10:g.148577936C>A; c.550G>T, p.Glu184Ter (NM_001166550.4); c.820G>T, p.Glu274Ter (NM_006123.5); short protein forms E274*, E184*.
Identifiers: ClinVar variation 221214 (VCV000221214.5), dbSNP rs193302907, ClinGen allele CA349093.